The following is an entry in ClinVar:

NM_000127.3(EXT1):c.552G>A (p.Trp184Ter)

Gene: EXT1 (exostosin glycosyltransferase 1; minus strand). Cytogenetic location: 8q24.11.
Variant type: single nucleotide variant.
Coding change: c.552G>A on transcript NM_000127.3 (MANE Select); coding-DNA position 552, G replaced by A.
Protein change: p.Trp184Ter; replaces tryptophan 184 with a stop codon.
Molecular consequence: nonsense.
Genome position (GRCh38, 1-based): chr8:118,110,495, C>T on the plus strand (G>A on the coding strand, the complement: EXT1 is on the minus strand). VCF-style: chr8-118110495-C-T. GRCh37 (hg19) VCF-style: chr8-119122734-C-T.
Other names: short protein forms W184*.
Identifiers: ClinVar variation 2136704 (VCV002136704.4), dbSNP rs2130042953, ClinGen allele CA371915593.

ClinVar aggregate classification (germline): Pathogenic (1 of 4 stars; one submission).

Conditions:
Multiple congenital exostosis (EXT). Also called: MULTIPLE CARTILAGINOUS EXOSTOSES; Hereditary multiple exostoses; Hereditary multiple exostosis; Multiple exostoses; Multiple osteochondromas; Hereditary multiple osteochondromas. Identifiers: Orphanet 321, MedGen C0015306, MONDO:0005508, HP:0002762.

Submission:

Labcorp Genetics (formerly Invitae), Labcorp
Classification: Pathogenic for Multiple congenital exostosis. Last evaluated: 2024-09-17. Review status: criteria provided, single submitter. Criteria: Invitae Variant Classification Sherloc (09022015). Collection method: clinical testing. Allele origin: germline.
Comment: This sequence change creates a premature translational stop signal (p.Trp184*) in the EXT1 gene. It is expected to result in an absent or disrupted protein product. Loss-of-function variants in EXT1 are known to be pathogenic (PMID: 10679937, 11391482, 19810120). This variant is not present in population databases (gnomAD no frequency). This premature translational stop signal has been observed in individual(s) with multiple osteochondromas (PMID: 23439489). ClinVar contains an entry for this variant (Variation ID: 2136704). For these reasons, this variant has been classified as Pathogenic.

Literature cited by the submitters: PubMed 10679937; PubMed 11391482; PubMed 19810120; PubMed 23439489.